The following is an entry in ClinVar:

ClinVar aggregate classification (germline): Uncertain significance (1 of 4 stars; one submission).

Conditions:
Neurofibromatosis, type 1 (NF1). Also called: VON RECKLINGHAUSEN DISEASE; NEUROFIBROMATOSIS, TYPE I, SOMATIC; Peripheral type neurofibromatosis; Neurofibromatosis, type I. Identifiers: Orphanet 636, MedGen C0027831, MONDO:0018975, OMIM 162200. Disease mechanism: loss of function.

Submission:

Labcorp Genetics (formerly Invitae), Labcorp
Classification: Uncertain significance for Neurofibromatosis, type 1. Last evaluated: 2023-09-18. Review status: criteria provided, single submitter. Criteria: Invitae Variant Classification Sherloc (09022015). Collection method: clinical testing. Allele origin: germline.
Comment: In summary, the available evidence is currently insufficient to determine the role of this variant in disease. Therefore, it has been classified as a Variant of Uncertain Significance. Experimental studies and prediction algorithms are not available or were not evaluated, and the functional significance of this variant is currently unknown. This variant has not been reported in the literature in individuals affected with NF1-related conditions. This variant is not present in population databases (gnomAD no frequency). This variant, c.3453_3461dup, results in the insertion of 3 amino acid(s) of the NF1 protein (p.Leu1152_Asn1154dup), but otherwise preserves the integrity of the reading frame.

NM_001042492.3(NF1):c.3453_3461dup (p.Asn1154_Ala1155insLeuLeuAsn)

Gene: NF1 (neurofibromin 1; plus strand). Cytogenetic location: 17q11.2.
Variant type: Duplication.
Coding change: c.3453_3461dup on transcript NM_001042492.3 (MANE Select); coding-DNA positions 3453 to 3461, 9 bases duplicated (CTTACTCAA; older notation c.3453_3461dupCTTACTCAA).
Protein change: p.Asn1154_Ala1155insLeuLeuAsn.
Molecular consequence: inframe insertion. On other transcripts: inframe indel (1).
Genome position (GRCh38, 1-based): chr17:31,232,838-31,232,846, CTTACTCAA duplicated; duplicating any 9 consecutive bases within chr17:31,232,836-31,232,846 gives the same sequence; the c. name uses the placement nearest the transcript's 3' end. VCF-style (leftmost placement, unchanged base first): chr17-31232835-A-AAACTTACTC. GRCh37 (hg19) VCF-style: chr17-29559853-A-AAACTTACTC.
Other names: c.3453_3461dup, p.Asn1154_Ala1155insLeuLeuAsn (NM_000267.4).
Identifiers: ClinVar variation 2761039 (VCV002761039.3), dbSNP rs2508232977, ClinGen allele CA2697559793.
Genomic context (GRCh38, chr17:31,232,835, plus strand): 5'-GAAACGTGGCATGTCTCGGAGGCTGGCATCACTGAGGCACTGTACGGTCCTTGCAATGTC[A>AAACTTACTC]AACTTACTCAATGCCAACGTAGACAGTGGTCTCATGCACTCCATAGGTGAGATCAAATGA-3'